The following is an entry in ClinVar:

NM_005033.3(EXOSC9):c.1168A>G (p.Ile390Val)

Gene: EXOSC9 (exosome component 9; plus strand). Cytogenetic location: 4q27.
Variant type: single nucleotide variant.
Coding change: c.1168A>G on transcript NM_005033.3 (MANE Select); coding-DNA position 1168, A replaced by G.
Protein change: p.Ile390Val; replaces isoleucine 390 with valine.
Molecular consequence: missense variant.
Genome position (GRCh38, 1-based): chr4:121,816,380, A>G. VCF-style: chr4-121816380-A-G. GRCh37 (hg19) VCF-style: chr4-122737535-A-G.
Other names: c.1219A>G, p.Ile407Val (NM_001034194.2); short protein forms I390V, I407V.
Identifiers: ClinVar variation 1919908 (VCV001919908.5), dbSNP rs1158891193, ClinGen allele CA358046970.

ClinVar aggregate classification (germline): Uncertain significance (1 of 4 stars; one submission).

Allele frequency attached by ClinVar (database versions not stated): gnomAD exomes below 0.00001; TOPMed below 0.00001; gnomAD 0.00001.
gnomAD v4.1: 3 of 1,542,104 alleles (0.00019%); highest among the groups gnomAD compares: East Asian, 0.0023%; no homozygotes.

Submission:

Labcorp Genetics (formerly Invitae), Labcorp
Classification: Uncertain significance. Last evaluated: 2022-02-05. Review status: criteria provided, single submitter. Criteria: Invitae Variant Classification Sherloc (09022015). Collection method: clinical testing. Allele origin: germline.
Comment: This variant has not been reported in the literature in individuals affected with EXOSC9-related conditions. This variant is not present in population databases (gnomAD no frequency). This sequence change replaces isoleucine, which is neutral and non-polar, with valine, which is neutral and non-polar, at codon 407 of the EXOSC9 protein (p.Ile407Val). Algorithms developed to predict the effect of missense changes on protein structure and function output the following: SIFT: "Tolerated"; PolyPhen-2: "Benign"; Align-GVGD: "Class C0". The valine amino acid residue is found in multiple mammalian species, which suggests that this missense change does not adversely affect protein function. In summary, the available evidence is currently insufficient to determine the role of this variant in disease. Therefore, it has been classified as a Variant of Uncertain Significance.